The following is an entry in ClinVar:

ClinVar aggregate classification (germline): Pathogenic (1 of 4 stars; one submission).

Conditions:
Capillary malformation-arteriovenous malformation 1 (CMAVM1). Identifiers: Orphanet 137667, Orphanet 693907, MedGen C4747394, MONDO:0020783, OMIM 608354.

Submission:

Labcorp Genetics (formerly Invitae), Labcorp
Classification: Pathogenic for Capillary malformation-arteriovenous malformation syndrome. Last evaluated: 2017-03-16. Review status: criteria provided, single submitter. Criteria: Invitae Variant Classification Sherloc (09022015). Collection method: clinical testing. Allele origin: germline.
Comment: This sequence change deletes 1 nucleotide from exon 23 of the RASA1 mRNA (c.2873delC), causing a frameshift at codon 958. This creates a premature translational stop signal (p.Pro958Hisfs*10) and is expected to result in an absent or disrupted protein product. While this particular variant has not been reported in the literature, loss-of-function variants in RASA1 are known to be pathogenic (PMID: 24038909). For these reasons, this variant has been classified as Pathogenic.

NM_002890.3(RASA1):c.2873del (p.Pro958fs)

Genes: CCNH (cyclin H; minus strand), RASA1 (RAS p21 protein activator 1; plus strand). Cytogenetic location: 5q14.3.
Variant type: Deletion.
Coding change: c.2873del on transcript NM_002890.3 (MANE Select); coding-DNA position 2873, one base deleted (C; older notation c.2873delC).
Protein change: p.Pro958fs; shifts the reading frame from proline 958.
Molecular consequence: frameshift variant. On other transcripts: intron variant (1).
Genome position (GRCh38, 1-based): chr5:87,386,851, C deleted; the last of 2 consecutive C bases (chr5:87,386,850-87,386,851); deleting either gives the same sequence. VCF-style (leftmost placement, unchanged base first): chr5-87386849-TC-T. GRCh37 (hg19) VCF-style: chr5-86682666-TC-T.
Other names: c.2342del, p.Pro781fs (NM_022650.3); c.933+8194del (NM_001364075.2); short protein forms P958fs, P781fs.
Identifiers: ClinVar variation 464864 (VCV000464864.3), dbSNP rs1554050584, ClinGen allele CA658657460.